The following is an entry in ClinVar:

NM_178857.6(RP1L1):c.6600G>A (p.Glu2200=)

Gene: RP1L1 (RP1 like 1). Cytogenetic location: 8p23.1.
Variant type: single nucleotide variant.
Coding change: c.6600G>A on transcript NM_178857.6 (MANE Select); coding-DNA position 6600, G replaced by A.
Protein change: p.Glu2200=; no amino-acid change (glutamic acid 2200 retained).
Molecular consequence: synonymous variant.
Genome position (GRCh38, 1-based): chr8:10,607,498, C>T on the plus strand (G>A on the coding strand, the complement: RP1L1 is on the minus strand). VCF-style: chr8-10607498-C-T. GRCh37 (hg19) VCF-style: chr8-10465008-C-T.
Identifiers: ClinVar variation 361217 (VCV000361217.48), dbSNP rs192990137, ClinGen allele CA4623244.

ClinVar aggregate classification (germline): Benign/Likely benign. Review status: criteria provided, multiple submitters, no conflicts (2 of 4 stars). 3 submissions from 3 submitters: Benign (1); Likely benign (2). Last evaluated 2024-11-18.

Conditions:
Occult macular dystrophy (OCMD). Also called: OMD; OCCULT MACULAR DYSTROPHY, SUSCEPTIBILITY TO. Identifiers: Orphanet 247834, MedGen C3150833, MONDO:0013316, OMIM 613587, HP:0030636.

Allele frequency attached by ClinVar (database versions not stated): ExAC 0.00044; gnomAD exomes 0.00045 and 0.00086; gnomAD 0.00052 and 0.00053; 1000 Genomes Project 30x 0.00062; ESP Exome Variant Server 0.00084.
gnomAD v4.1: 1,343 of 1,607,680 alleles (0.084%); highest among the groups gnomAD compares: Non-Finnish European, 0.11%; 2 homozygotes.

Submissions (3):

Blueprint Genetics
Classification: Likely benign. Last evaluated: 2024-11-18. Review status: criteria provided, single submitter. Criteria: ACMG Guidelines, 2015. Collection method: clinical testing. Allele origin: germline.

CeGaT Center for Human Genetics Tuebingen
Classification: Likely benign. Last evaluated: 2018-09-01. Review status: criteria provided, single submitter. Criteria: CeGaT Center For Human Genetics Tuebingen Variant Classification Criteria Version 2. Collection method: clinical testing. Allele origin: germline. Affected: yes. Observed: 1 variant allele.

Illumina Laboratory Services, Illumina
Classification: Benign for Occult macular dystrophy. Last evaluated: 2018-01-13. Review status: criteria provided, single submitter. Criteria: ICSL Variant Classification Criteria 13 December 2019. Collection method: clinical testing. Allele origin: germline.
Comment: This variant was observed in the ICSL laboratory as part of a predisposition screen in an ostensibly healthy population. It had not been previously curated by ICSL or reported in the Human Gene Mutation Database (HGMD: prior to June 1st, 2018), and was therefore a candidate for classification through an automated scoring system. Utilizing variant allele frequency, disease prevalence and penetrance estimates, and inheritance mode, an automated score was calculated to assess if this variant is too frequent to cause the disease. Based on the score and internal cut-off values, a variant classified as benign is not then subjected to further curation. The score for this variant resulted in a classification of benign for this disease.